The following is an entry in ClinVar:

NM_000069.3(CACNA1S):c.258+57G>A

Gene: CACNA1S (calcium voltage-gated channel subunit alpha1 S; minus strand). Cytogenetic location: 1q32.1.
Variant type: single nucleotide variant.
Coding change: c.258+57G>A on transcript NM_000069.3 (MANE Select); 57 bases into the intron after coding-DNA position 258, G replaced by A.
Molecular consequence: intron variant.
Genome position (GRCh38, 1-based): chr1:201,110,107, C>T on the plus strand (G>A on the coding strand, the complement: CACNA1S is on the minus strand). VCF-style: chr1-201110107-C-T. GRCh37 (hg19) VCF-style: chr1-201079235-C-T.
Other names: IVS2, G-A (rs1325310).
Identifiers: ClinVar variation 17628 (VCV000017628.2), dbSNP rs1325310, ClinGen allele CA004025.
Genomic context (GRCh38, chr1:201,110,107, plus strand): 5'-GCATCGTCAGGGAGTTGAACCACCGGCACCATCCCCCAGAACAGAGTCCACCAAGGGGGC[C>T]TCCCCAAGCCTGGGGCTGCAGGCTCGCAGGAAGGGAGATGGAAGGGCCAATCTTACCAGG-3'

ClinVar aggregate classification (germline): Benign. Review status: criteria provided, multiple submitters, no conflicts (2 of 4 stars). 3 submissions from 3 submitters: Benign (2). 1 of the submissions does not count toward it. Last evaluated 2018-06-16.

Conditions:
Thyrotoxic periodic paralysis, susceptibility to, 1 (TTPP1). Identifiers: Orphanet 79102, MedGen C2749982, MONDO:0008570, OMIM 188580.

Allele frequency attached by ClinVar (database versions not stated): 1000 Genomes Project 30x 0.39834; 1000 Genomes Project 0.40375; gnomAD exomes 0.28519; gnomAD 0.28632 and 0.29460; TOPMed 0.30589.
gnomAD v4.1: 429,801 of 1,500,426 alleles (29%); highest among the groups gnomAD compares: East Asian, 65%; 67,305 homozygotes.

Submissions (3):

GeneDx
Classification: Benign. Last evaluated: 2018-06-16. Review status: criteria provided, single submitter. Criteria: GeneDx Variant Classification (06012015). Collection method: clinical testing. Allele origin: germline. Affected: yes.
Comment: This variant is considered likely benign or benign based on one or more of the following criteria: it is a conservative change, it occurs at a poorly conserved position in the protein, it is predicted to be benign by multiple in silico algorithms, and/or has population frequency not consistent with disease.

Breakthrough Genomics
Classification: Benign. Review status: criteria provided, single submitter. Criteria: ACMG Guidelines, 2015. Collection method: not provided. Allele origin: germline. Inheritance: Autosomal dominant inheritance. Affected: yes.

OMIM
Classification: risk factor for THYROTOXIC PERIODIC PARALYSIS, SUSCEPTIBILITY TO, 1. Last evaluated: 2004-03-01. Review status: no assertion criteria provided. Collection method: literature only. Allele origin: germline. Not counted in ClinVar's aggregate classification.

Literature cited by the submitters: PubMed 15001631 (cited by OMIM).